The following is an entry in ClinVar:

ClinVar aggregate classification (germline): Likely pathogenic (1 of 4 stars; one submission).

Conditions:
Duchenne muscular dystrophy (DMD). Also called: MUSCULAR DYSTROPHY, PSEUDOHYPERTROPHIC PROGRESSIVE, DUCHENNE TYPE; Duchenne Muscular Dystrophy (DMD). Identifiers: Orphanet 98896, MedGen C0013264, MONDO:0010679, OMIM 310200.

Submission:

Centro de Genética y Biología Molecular, Universidad de San Martín de Porres
Classification: Likely pathogenic for Duchenne muscular dystrophy. Review status: criteria provided, single submitter. Criteria: ACMG Guidelines, 2015. Collection method: clinical testing. Allele origin: germline. Inheritance: X-linked inheritance. Affected: yes. Observed: 1 compound heterozygote.
Comment: The c.1672del variant has been reported in Leiden Open (source) Variation Database (LOVD) version 3.0 to be classified as likely pathogenic (recessive) evidence.

NM_004006.3(DMD):c.1672del (p.Leu558fs)

Gene: DMD (dystrophin; minus strand). Cytogenetic location: Xp21.1.
Variant type: Deletion.
Coding change: c.1672del on transcript NM_004006.3 (MANE Select); coding-DNA position 1672, one base deleted (C; older notation c.1672delC).
Protein change: p.Leu558fs; shifts the reading frame from leucine 558.
Molecular consequence: frameshift variant.
Genome position (GRCh38, 1-based): chrX:32,573,777, G deleted on the plus strand (C on the coding strand, the reverse complement: DMD is on the minus strand); the first of 2 consecutive G bases (chrX:32,573,777-32,573,778); deleting either gives the same sequence. VCF-style (leftmost placement, unchanged base first): chrX-32573776-AG-A. GRCh37 (hg19) VCF-style: chrX-32591893-AG-A.
Other names: c.1648del, p.Leu550fs (NM_000109.4); c.1660del, p.Leu554fs (NM_004009.3); c.1303del, p.Leu435fs (NM_004010.3); short protein forms L435fs, L550fs, L554fs, L558fs.
Identifiers: ClinVar variation 984680 (VCV000984680.3), dbSNP rs2052703269, ClinGen allele CA1139667376.